The following is an entry in ClinVar:

ClinVar aggregate classification (germline): Uncertain significance. Review status: criteria provided, multiple submitters, no conflicts (2 of 4 stars). 3 submissions from 3 submitters: Uncertain significance (3). Last evaluated 2023-07-17.

Allele frequency attached by ClinVar (database versions not stated): gnomAD exomes 0.00001 and 0.00002; ExAC 0.00002.
gnomAD v4.1: 25 of 1,613,988 alleles (0.0015%); highest among the groups gnomAD compares: East Asian, 0.0022%; no homozygotes.

Submissions (3):

Labcorp Genetics (formerly Invitae), Labcorp
Classification: Uncertain significance. Last evaluated: 2023-07-17. Review status: criteria provided, single submitter. Criteria: Invitae Variant Classification Sherloc (09022015). Collection method: clinical testing. Allele origin: germline.
Comment: Advanced modeling of protein sequence and biophysical properties (such as structural, functional, and spatial information, amino acid conservation, physicochemical variation, residue mobility, and thermodynamic stability) performed at Invitae indicates that this missense variant is not expected to disrupt IMPG2 protein function. This sequence change replaces methionine, which is neutral and non-polar, with isoleucine, which is neutral and non-polar, at codon 877 of the IMPG2 protein (p.Met877Ile). This variant is present in population databases (rs768016573, gnomAD 0.006%). This variant has not been reported in the literature in individuals affected with IMPG2-related conditions. ClinVar contains an entry for this variant (Variation ID: 1302263). In summary, the available evidence is currently insufficient to determine the role of this variant in disease. Therefore, it has been classified as a Variant of Uncertain Significance.

GeneDx
Classification: Uncertain significance. Last evaluated: 2019-07-12. Review status: criteria provided, single submitter. Criteria: GeneDx Variant Classification Process June 2021. Collection method: clinical testing. Allele origin: germline. Affected: yes.
Comment: In silico analysis, which includes protein predictors and evolutionary conservation, supports that this variant does not alter protein structure/function; Has not been previously published as pathogenic or benign to our knowledge

Blueprint Genetics
Classification: Uncertain significance. Last evaluated: 2018-11-13. Review status: criteria provided, single submitter. Criteria: ACMG Guidelines, 2015. Collection method: clinical testing. Allele origin: germline.

NM_016247.4(IMPG2):c.2631G>A (p.Met877Ile)

Gene: IMPG2 (interphotoreceptor matrix proteoglycan 2; minus strand). Cytogenetic location: 3q12.3.
Variant type: single nucleotide variant.
Coding change: c.2631G>A on transcript NM_016247.4 (MANE Select); coding-DNA position 2631, G replaced by A.
Protein change: p.Met877Ile; replaces methionine 877 with isoleucine.
Molecular consequence: missense variant.
Genome position (GRCh38, 1-based): chr3:101,243,700, C>T on the plus strand (G>A on the coding strand, the complement: IMPG2 is on the minus strand). VCF-style: chr3-101243700-C-T. GRCh37 (hg19) VCF-style: chr3-100962544-C-T.
Other names: short protein forms M877I.
Identifiers: ClinVar variation 1302263 (VCV001302263.10), dbSNP rs768016573, ClinGen allele CA2518938.